The following is an entry in ClinVar:

ClinVar aggregate classification (germline): Conflicting classifications of pathogenicity. Review status: criteria provided, conflicting classifications (1 of 4 stars). 3 submissions from 3 submitters: Uncertain significance (2); Likely benign (1). Last evaluated 2025-06-17.

Conditions:
Hereditary breast ovarian cancer syndrome. Also called: Hereditary breast and/or ovarian cancer syndrome; BRCA1- and BRCA2-Associated Hereditary Breast and Ovarian Cancer; Breast and ovarian cancer; Hereditary breast and ovarian cancer; Hereditary breast and ovarian cancer syndrome; Hereditary breast and ovarian cancer syndrome (HBOC). Identifiers: Orphanet 145, MedGen C0677776, MeSH D061325, MONDO:0003582. Disease mechanism: loss of function.
Hereditary cancer-predisposing syndrome. Also called: Hereditary neoplastic syndrome; Tumor predisposition; Hereditary Cancer Syndrome; Neoplastic Syndromes, Hereditary. Identifiers: Orphanet 140162, MedGen C0027672, MeSH D009386, MONDO:0015356.

Submissions (3):

Labcorp Genetics (formerly Invitae), Labcorp
Classification: Likely benign for Hereditary breast ovarian cancer syndrome. Last evaluated: 2025-06-17. Review status: criteria provided, single submitter. Criteria: Invitae Variant Classification Sherloc (09022015). Collection method: clinical testing. Allele origin: germline.

Color Diagnostics, LLC DBA Color Health
Classification: Uncertain significance for Hereditary cancer-predisposing syndrome. Last evaluated: 2020-01-10. Review status: criteria provided, single submitter. Criteria: ACMG Guidelines, 2015. Collection method: clinical testing. Allele origin: germline.
Comment: This variant causes an A>T nucleotide substitution at the -15 position in the 5' untranslated region in the BRCA2 gene. This variant is located distal to the Kozak consensus sequence (PMID: 3313277). The reference nucleotide is conserved among other reference species at this position (PMID: 12519945). Splice site prediction tools suggest that this variant may not impact RNA splicing. To our knowledge, functional studies have not been performed for this variant. This variant has not been reported in individuals affected with hereditary cancer in the literature. This variant has not been identified in the general population by the Genome Aggregation Database (gnomAD). The available evidence is insufficient to determine the role of this variant in disease conclusively. Therefore, this variant is classified as a Variant of Uncertain Significance.

Women's Health and Genetics/Laboratory Corporation of America, LabCorp
Classification: Uncertain significance. Last evaluated: 2016-12-01. Review status: criteria provided, single submitter. Criteria: LabCorp Variant Classification Summary - May 2015. Collection method: clinical testing. Allele origin: germline.
Comment: Variant summary: The BRCA2 c.-15A>T variant involves the alteration of a non-conserved nucleotide located in the 5'-UTR. One in silico tool predicts a benign outcome for this variant. 5/5 splice prediction tools predict no significant impact on normal splicing. However, these predictions have yet to be confirmed by functional studies. This variant is absent in 119278 control chromosomes. The variant of interest has not, to our knowledge, been reported in affected individuals via publications and/or reputable databases/clinical diagnostic laboratories; nor evaluated for functional impact by in vivo/vitro studies. Because of the absence of clinical information and the lack of functional studies, the variant is classified as a variant of uncertain significance (VUS) until additional information becomes available.

NM_000059.4(BRCA2):c.-15A>T

Gene: BRCA2 (BRCA2 DNA repair associated; plus strand). Cytogenetic location: 13q13.1.
Variant type: single nucleotide variant.
Coding change: c.-15A>T on transcript NM_000059.4 (MANE Select); 15 bases upstream of the start codon, A replaced by T.
Molecular consequence: 5 prime UTR variant.
Genome position (GRCh38, 1-based): chr13:32,316,446, A>T. VCF-style: chr13-32316446-A-T. GRCh37 (hg19) VCF-style: chr13-32890583-A-T.
Identifiers: ClinVar variation 495432 (VCV000495432.13), dbSNP rs138705202, ClinGen allele CA658683801.
Genomic context (GRCh38, chr13:32,316,446, plus strand): 5'-CCCTGTGTAAGTGCATTTTGGTCTTCTGTTTTGCAGACTTATTTACCAAGCATTGGAGGA[A>T]TATCGTAGGTAAAAATGCCTATTGGATCCAAAGAGAGGCCAACATTTTTTGAAATTTTTA-3'